The following is an entry in ClinVar:

ClinVar aggregate classification (germline): Uncertain significance. Review status: criteria provided, multiple submitters, no conflicts (2 of 4 stars). 2 submissions from 2 submitters: Uncertain significance (2). Last evaluated 2024-08-13.

Conditions:
Ehlers-Danlos syndrome, type 4 (EDSVASC). Also called: Ehlers-Danlos syndrome vascular type; Ehlers Danlos syndrome, ecchymotic type; Ehlers Danlos syndrome, arterial type; Ehlers Danlos syndrome, Sack-Barabas type; Ehlers-Danlos Syndrome Type IV. Identifiers: Orphanet 286, MedGen C0268338, MONDO:0017314, OMIM 130050.
Familial thoracic aortic aneurysm and aortic dissection (TAAD). Also called: Thoracic aortic aneurysms and dissections. Identifiers: Orphanet 91387, MedGen C4707243, MONDO:0019625.

Submissions (2):

All of Us Research Program, National Institutes of Health
Classification: Uncertain significance for Ehlers-Danlos syndrome, type 4. Last evaluated: 2024-08-13. Review status: criteria provided, single submitter. Criteria: ACMG Guidelines, 2015. Collection method: clinical testing. Allele origin: germline. Inheritance: Autosomal dominant inheritance. Observed: 1 variant allele, 1 heterozygote.
Comment: This variant is an in-frame deletion of three amino acids in the COL3A1 protein, including a highly conserved glycine residue within the Gly-Xaa-Yaa repeats of the triple helix domain (a.a. 168-1196). To our knowledge, functional studies have not been reported for this variant. This variant has not been reported in individuals affected with cardiovascular disorders in the literature. This variant has not been identified in the general population by the Genome Aggregation Database (gnomAD). The available evidence is insufficient to determine the role of this variant in disease conclusively. Therefore, this variant is classified as a Variant of Uncertain Significance.

This study involves interpretation of variants in research participants for the purpose of population health screening. Participant phenotype was not available at the time of variant classification. Additional details can be found in publication PMID: 35346344, PMCID: PMC8962531

Color Diagnostics, LLC DBA Color Health
Classification: Uncertain significance for Familial thoracic aortic aneurysm and aortic dissection. Last evaluated: 2024-07-24. Review status: criteria provided, single submitter. Criteria: ACMG Guidelines, 2015. Collection method: clinical testing. Allele origin: germline.
Comment: This variant is an in-frame deletion of three amino acids in the COL3A1 protein, including a highly conserved glycine residue within the Gly-Xaa-Yaa repeats of the triple helix domain (a.a. 168-1196). To our knowledge, functional studies have not been reported for this variant. This variant has not been reported in individuals affected with cardiovascular disorders in the literature. This variant has not been identified in the general population by the Genome Aggregation Database (gnomAD). The available evidence is insufficient to determine the role of this variant in disease conclusively. Therefore, this variant is classified as a Variant of Uncertain Significance.

NM_000090.4(COL3A1):c.3574_3582del (p.Ala1192_Gly1194del)

Gene: COL3A1 (collagen type III alpha 1 chain; plus strand). Cytogenetic location: 2q32.2.
Variant type: Deletion.
Coding change: c.3574_3582del on transcript NM_000090.4 (MANE Select); coding-DNA positions 3574 to 3582, 9 bases deleted (GCCCCTGGT; older notation c.3574_3582delGCCCCTGGT).
Protein change: p.Ala1192_Gly1194del.
Molecular consequence: inframe deletion.
Genome position (GRCh38, 1-based): chr2:189,008,972-189,008,980, GCCCCTGGT deleted; deleting any 9 consecutive bases within chr2:189,008,966-189,008,980 gives the same sequence; the c. name uses the placement nearest the transcript's 3' end. VCF-style (leftmost placement, unchanged base first): chr2-189008965-TCCTGGTGCC-T. GRCh37 (hg19) VCF-style: chr2-189873691-TCCTGGTGCC-T.
Identifiers: ClinVar variation 1332306 (VCV001332306.4), dbSNP rs2153504077, ClinGen allele CA2573051822.
Genomic context (GRCh38, chr2:189,008,965, plus strand): 5'-CATGTTTTACTCATTCTAGGGCTCCCCAGGCCACCCAGGGCAACCAGGCCCTCCTGGACC[TCCTGGTGCC>T]CCTGGTCCTTGCTGTGGTGGTGTTGGAGCCGCTGCCATTGCTGGGATTGGAGGTGAAAAA-3'